The following is an entry in ClinVar:

ClinVar aggregate classification (germline): Uncertain significance (1 of 4 stars; one submission).

Submission:

Mayo Clinic Laboratories, Mayo Clinic
Classification: Uncertain significance. Last evaluated: 2025-09-09. Review status: criteria provided, single submitter. Criteria: ACMG Guidelines, 2015. Collection method: clinical testing. Allele origin: germline. Observed: 2 variant alleles.
Comment: BP4_moderate

NM_001365276.2(TNXB):c.12724G>A (p.Gly4242Arg)

Genes: CYP21A2 (cytochrome P450 family 21 subfamily A member 2; plus strand), TNXB (tenascin XB; minus strand). Cytogenetic location: 6p21.33.
Variant type: single nucleotide variant.
Coding change: c.12724G>A on transcript NM_001365276.2 (MANE Select); coding-DNA position 12724, G replaced by A.
Protein change: p.Gly4242Arg; replaces glycine 4242 with arginine.
Molecular consequence: missense variant. On other transcripts: 3 prime UTR variant (4).
Genome position (GRCh38, 1-based): chr6:32,041,360, C>T on the plus strand (G>A on the coding strand, the complement: TNXB is on the minus strand). VCF-style: chr6-32041360-C-T. GRCh37 (hg19) VCF-style: chr6-32009137-C-T.
Other names: p.Gly4240Arg; c.*226C>T (NM_000500.9, NM_001128590.4, NM_001368143.2 and 1 more transcripts); c.13465G>A, p.Gly4489Arg (NM_001428335.1); c.12718G>A, p.Gly4240Arg (NM_019105.8); c.2011G>A, p.Gly671Arg (NM_032470.4); short protein forms G4240R, G4242R, G4489R, G671R.
Identifiers: ClinVar variation 3379651 (VCV003379651.2).